The following is an entry in ClinVar:

NM_001243279.3(ACSF3):c.411C>T (p.Val137=)

Gene: ACSF3 (acyl-CoA synthetase family member 3; plus strand). Cytogenetic location: 16q24.3.
Variant type: single nucleotide variant.
Coding change: c.411C>T on transcript NM_001243279.3 (MANE Select); coding-DNA position 411, C replaced by T.
Protein change: p.Val137=; no amino-acid change (valine 137 retained).
Molecular consequence: synonymous variant. On other transcripts: non-coding transcript variant (3), intron variant (1).
Genome position (GRCh38, 1-based): chr16:89,101,092, C>T. VCF-style: chr16-89101092-C-T. GRCh37 (hg19) VCF-style: chr16-89167500-C-T.
Other names: c.411C>T, p.Val137= (NM_001127214.4, NM_174917.5); c.-129-1512C>T (NM_001284316.2).
Identifiers: ClinVar variation 385007 (VCV000385007.14), dbSNP rs148969539, ClinGen allele CA8237645.

ClinVar aggregate classification (germline): Benign/Likely benign. Review status: criteria provided, multiple submitters, no conflicts (2 of 4 stars). 3 submissions from 3 submitters: Benign (1); Likely benign (1). 1 of the submissions does not count toward it. Last evaluated 2025-12-31.

Conditions:
ACSF3-related disorder. Also called: ACSF3-related condition.
Combined malonic and methylmalonic acidemia. Identifiers: Orphanet 289504, MedGen C3280314, MONDO:0013661, OMIM 614265.

Allele frequency attached by ClinVar (database versions not stated): gnomAD 0.00078 and 0.00083; TOPMed 0.00096; 1000 Genomes Project 0.00120; 1000 Genomes Project 30x 0.00156; gnomAD exomes 0.00008 and 0.00023; ExAC 0.00026; ESP Exome Variant Server 0.00069.
gnomAD v4.1: 248 of 1,614,126 alleles (0.015%); highest among the groups gnomAD compares: African/African-American, 0.28%; 2 homozygotes.

Submissions (3):

Labcorp Genetics (formerly Invitae), Labcorp
Classification: Benign for Combined malonic and methylmalonic acidemia. Last evaluated: 2025-12-31. Review status: criteria provided, single submitter. Criteria: Invitae Variant Classification Sherloc (09022015). Collection method: clinical testing. Allele origin: germline.

GeneDx
Classification: Likely benign. Last evaluated: 2016-04-03. Review status: criteria provided, single submitter. Criteria: GeneDx Variant Classification (06012015). Collection method: clinical testing. Allele origin: germline. Affected: yes.
Comment: This variant is considered likely benign or benign based on one or more of the following criteria: it is a conservative change, it occurs at a poorly conserved position in the protein, it is predicted to be benign by multiple in silico algorithms, and/or has population frequency not consistent with disease.

PreventionGenetics, part of Exact Sciences
Classification: Likely benign for ACSF3-related condition. Last evaluated: 2024-02-15. Review status: no assertion criteria provided. Collection method: clinical testing. Allele origin: germline. Not counted in ClinVar's aggregate classification.
Comment: This variant is classified as likely benign based on ACMG/AMP sequence variant interpretation guidelines (Richards et al. 2015 PMID: 25741868, with internal and published modifications).